The following is an entry in ClinVar:

NM_133259.4(LRPPRC):c.70C>G (p.Leu24Val)

Gene: LRPPRC (leucine rich pentatricopeptide repeat containing; minus strand). Cytogenetic location: 2p21.
Variant type: single nucleotide variant.
Coding change: c.70C>G on transcript NM_133259.4 (MANE Select); coding-DNA position 70, C replaced by G.
Protein change: p.Leu24Val; replaces leucine 24 with valine.
Molecular consequence: missense variant.
Genome position (GRCh38, 1-based): chr2:43,995,878, G>C on the plus strand (C>G on the coding strand, the complement: LRPPRC is on the minus strand). VCF-style: chr2-43995878-G-C. GRCh37 (hg19) VCF-style: chr2-44223017-G-C.
Other names: short protein forms L24V.
Identifiers: ClinVar variation 336178 (VCV000336178.7), dbSNP rs749629864, ClinGen allele CA1639471.

ClinVar aggregate classification (germline): Uncertain significance. Review status: criteria provided, multiple submitters, no conflicts (2 of 4 stars). 3 submissions from 3 submitters: Uncertain significance (3). Last evaluated 2022-01-13.

Conditions:
Congenital lactic acidosis, Saguenay-Lac-Saint-Jean type (MC4DN5). Also called: CYTOCHROME c OXIDASE DEFICIENCY, FRENCH CANADIAN TYPE; COX DEFICIENCY, FRENCH CANADIAN TYPE; MITOCHONDRIAL COMPLEX IV DEFICIENCY, NUCLEAR TYPE 5. Identifiers: Orphanet 70472, MedGen C1857355, MONDO:0009069, OMIM 220111.

Allele frequency attached by ClinVar (database versions not stated): TOPMed 0.00005; gnomAD 0.00010; ExAC 0.00031.
gnomAD v4.1: 52 of 1,505,924 alleles (0.0035%); highest among the groups gnomAD compares: African/African-American, 0.0014%; no homozygotes.

Submissions (3):

GeneDx
Classification: Uncertain significance. Last evaluated: 2022-01-13. Review status: criteria provided, single submitter. Criteria: GeneDx Variant Classification Process June 2021. Collection method: clinical testing. Allele origin: germline. Affected: yes.
Comment: In silico analysis supports that this missense variant does not alter protein structure/function; Has not been previously published as pathogenic or benign to our knowledge

Blueprint Genetics
Classification: Uncertain significance. Last evaluated: 2018-09-28. Review status: criteria provided, single submitter. Criteria: ACMG Guidelines, 2015. Collection method: clinical testing. Allele origin: germline.

Illumina Laboratory Services, Illumina
Classification: Uncertain significance for Congenital lactic acidosis, Saguenay-Lac-Saint-Jean type. Last evaluated: 2018-01-13. Review status: criteria provided, single submitter. Criteria: ICSL Variant Classification Criteria 13 December 2019. Collection method: clinical testing. Allele origin: germline.